The following is an entry in ClinVar:

NM_002291.3(LAMB1):c.2780G>A (p.Arg927His)

Gene: LAMB1 (laminin subunit beta 1; minus strand). Cytogenetic location: 7q31.1.
Variant type: single nucleotide variant.
Coding change: c.2780G>A on transcript NM_002291.3 (MANE Select); coding-DNA position 2780, G replaced by A.
Protein change: p.Arg927His; replaces arginine 927 with histidine.
Molecular consequence: missense variant.
Genome position (GRCh38, 1-based): chr7:107,955,541, C>T on the plus strand (G>A on the coding strand, the complement: LAMB1 is on the minus strand). VCF-style: chr7-107955541-C-T. GRCh37 (hg19) VCF-style: chr7-107595986-C-T.
Other names: short protein forms R927H.
Identifiers: ClinVar variation 1918589 (VCV001918589.5), dbSNP rs371508162, ClinGen allele CA4435528.

ClinVar aggregate classification (germline): Uncertain significance (1 of 4 stars; one submission).

Allele frequency attached by ClinVar (database versions not stated): ExAC 0.00002; gnomAD exomes 0.00002; gnomAD 0.00003; TOPMed 0.00003; ESP Exome Variant Server 0.00008.
gnomAD v4.1: 30 of 1,613,966 alleles (0.0019%); highest among the groups gnomAD compares: East Asian, 0.0045%; no homozygotes.

Submission:

Labcorp Genetics (formerly Invitae), Labcorp
Classification: Uncertain significance. Last evaluated: 2023-08-10. Review status: criteria provided, single submitter. Criteria: Invitae Variant Classification Sherloc (09022015). Collection method: clinical testing. Allele origin: germline.
Comment: In summary, the available evidence is currently insufficient to determine the role of this variant in disease. Therefore, it has been classified as a Variant of Uncertain Significance. An algorithm developed to predict the effect of missense changes on protein structure and function (PolyPhen-2) suggests that this variant is likely to be tolerated. ClinVar contains an entry for this variant (Variation ID: 1918589). This variant has not been reported in the literature in individuals affected with LAMB1-related conditions. This variant is present in population databases (rs371508162, gnomAD 0.01%). This sequence change replaces arginine, which is basic and polar, with histidine, which is basic and polar, at codon 927 of the LAMB1 protein (p.Arg927His).